The following is an entry in ClinVar:

ClinVar aggregate classification (germline): Uncertain significance (1 of 4 stars; one submission).

Conditions:
Developmental and epileptic encephalopathy 94 (DEE94). Also called: Epileptic encephalopathy, childhood-onset; CHD2-Related Neurodevelopmental Disorders. Identifiers: Orphanet 1942, Orphanet 2382, MedGen C3809278, MONDO:0014150, OMIM 615369.

Allele frequency attached by ClinVar (database versions not stated): gnomAD exomes below 0.00001; TOPMed below 0.00001; ExAC 0.00001.
gnomAD v4.1: 3 of 1,614,234 alleles (0.00019%); highest among the groups gnomAD compares: South Asian, 0.0022%; no homozygotes.

Submission:

Labcorp Genetics (formerly Invitae), Labcorp
Classification: Uncertain significance for Developmental and epileptic encephalopathy 94. Last evaluated: 2026-01-19. Review status: criteria provided, single submitter. Criteria: Invitae Variant Classification Sherloc (09022015). Collection method: clinical testing. Allele origin: germline.
Comment: This sequence change replaces leucine, which is neutral and non-polar, with valine, which is neutral and non-polar, at codon 1777 of the CHD2 protein (p.Leu1777Val). This variant is present in population databases (rs769085842, gnomAD 0.003%). This variant has not been reported in the literature in individuals affected with CHD2-related conditions. ClinVar contains an entry for this variant (Variation ID: 1976320). Invitae Evidence Modeling of protein sequence and biophysical properties (such as structural, functional, and spatial information, amino acid conservation, physicochemical variation, residue mobility, and thermodynamic stability) indicates that this missense variant is not expected to disrupt CHD2 protein function with a negative predictive value of 95%. In summary, the available evidence is currently insufficient to determine the role of this variant in disease. Therefore, it has been classified as a Variant of Uncertain Significance.

NM_001271.4(CHD2):c.5329C>G (p.Leu1777Val)

Gene: CHD2 (chromodomain helicase DNA binding protein 2; plus strand). Cytogenetic location: 15q26.1.
Variant type: single nucleotide variant.
Coding change: c.5329C>G on transcript NM_001271.4 (MANE Select); coding-DNA position 5329, C replaced by G.
Protein change: p.Leu1777Val; replaces leucine 1777 with valine.
Molecular consequence: missense variant.
Genome position (GRCh38, 1-based): chr15:93,024,547, C>G. VCF-style: chr15-93024547-C-G. GRCh37 (hg19) VCF-style: chr15-93567777-C-G.
Other names: short protein forms L1777V.
Identifiers: ClinVar variation 1976320 (VCV001976320.5), dbSNP rs769085842, ClinGen allele CA7748720.